The following is an entry in ClinVar:

NM_024741.3(ZNF408):c.443G>A (p.Arg148Gln)

Gene: ZNF408 (zinc finger protein 408; plus strand). Cytogenetic location: 11p11.2.
Variant type: single nucleotide variant.
Coding change: c.443G>A on transcript NM_024741.3 (MANE Select); coding-DNA position 443, G replaced by A.
Protein change: p.Arg148Gln; replaces arginine 148 with glutamine.
Molecular consequence: missense variant.
Genome position (GRCh38, 1-based): chr11:46,703,034, G>A. VCF-style: chr11-46703034-G-A. GRCh37 (hg19) VCF-style: chr11-46724584-G-A.
Other names: c.419G>A, p.Arg140Gln (NM_001184751.2); short protein forms R148Q, R140Q.
Identifiers: ClinVar variation 953919 (VCV000953919.9), dbSNP rs760395868, ClinGen allele CA5966349.

ClinVar aggregate classification (germline): Uncertain significance (1 of 4 stars; one submission).

Allele frequency attached by ClinVar (database versions not stated): gnomAD 0.00001; gnomAD exomes 0.00001; ExAC 0.00002; TOPMed 0.00002.
gnomAD v4.1: 11 of 1,613,868 alleles (0.00068%); highest among the groups gnomAD compares: Middle Eastern, 0.016%; no homozygotes.

Submission:

Labcorp Genetics (formerly Invitae), Labcorp
Classification: Uncertain significance. Last evaluated: 2022-10-13. Review status: criteria provided, single submitter. Criteria: Invitae Variant Classification Sherloc (09022015). Collection method: clinical testing. Allele origin: germline.
Comment: In summary, the available evidence is currently insufficient to determine the role of this variant in disease. Therefore, it has been classified as a Variant of Uncertain Significance. Algorithms developed to predict the effect of missense changes on protein structure and function output the following: SIFT: "Tolerated"; PolyPhen-2: "Benign"; Align-GVGD: "Class C0". The glutamine amino acid residue is found in multiple mammalian species, which suggests that this missense change does not adversely affect protein function. ClinVar contains an entry for this variant (Variation ID: 953919). This missense change has been observed in individual(s) with familial exudative vitreoretinopathy (PMID: 25711638). It has also been observed to segregate with disease in related individuals. This variant is present in population databases (rs760395868, gnomAD 0.003%). This sequence change replaces arginine, which is basic and polar, with glutamine, which is neutral and polar, at codon 148 of the ZNF408 protein (p.Arg148Gln).

Literature cited by the submitters: PubMed 25711638.